The following is an entry in ClinVar:

NM_000496.3(CRYBB2):c.26C>T (p.Ala9Val)

Gene: CRYBB2 (crystallin beta B2; plus strand). Cytogenetic location: 22q11.23.
Variant type: single nucleotide variant.
Coding change: c.26C>T on transcript NM_000496.3 (MANE Select); coding-DNA position 26, C replaced by T.
Protein change: p.Ala9Val; replaces alanine 9 with valine.
Molecular consequence: missense variant.
Genome position (GRCh38, 1-based): chr22:25,221,455, C>T. VCF-style: chr22-25221455-C-T. GRCh37 (hg19) VCF-style: chr22-25617422-C-T.
Other names: short protein forms A9V.
Identifiers: ClinVar variation 429295 (VCV000429295.5), dbSNP rs776245335, ClinGen allele CA10157899.

ClinVar aggregate classification (germline): Uncertain significance. Review status: criteria provided, multiple submitters, no conflicts (2 of 4 stars). 2 submissions from 2 submitters: Uncertain significance (2). Last evaluated 2026-03-27.

Conditions:
Inborn genetic diseases. Identifiers: MedGen C0950123, MeSH D030342.

Allele frequency attached by ClinVar (database versions not stated): gnomAD 0.00004; TOPMed 0.00008.
gnomAD v4.1: 57 of 1,613,728 alleles (0.0035%); highest among the groups gnomAD compares: East Asian, 0.045%; no homozygotes.

Submissions (2):

Ambry Genetics
Classification: Uncertain significance for Inborn genetic diseases. Last evaluated: 2026-03-27. Review status: criteria provided, single submitter. Criteria: Ambry Variant Classification Scheme 2023. Collection method: clinical testing. Allele origin: germline.

GeneDx
Classification: Uncertain significance. Last evaluated: 2017-05-05. Review status: criteria provided, single submitter. Criteria: GeneDx Variant Classification (06012015). Collection method: clinical testing. Allele origin: germline. Affected: yes.
Comment: The c.26 C>T variant in the CRYBB2 gene has not been reported previously as a pathogenic variant, nor as a benign variant, to our knowledge. The c.26 C>T variant is not observed at a significant frequency in large population cohorts (Lek et al., 2016; 1000 Genomes Consortium et al., 2015; Exome Variant Server). In-silico splice prediction models predict that c.26 C>T may create a cryptic splice donor site in exon 2. However, in the absence of RNA/functional studies, the actual effect of the c.26 C>T change in this individual is unknown. If c.26 C>T does not alter splicing, it will result in the A9V missense change. The A9V variant is a conservative amino acid substitution, which is not likely to impact secondary protein structure as these residues share similar properties. This substitution occurs at a position that is not conserved. In silico analysis is inconsistent in its predictions as to whether or not the variant is damaging to the protein structure/function. We interpret c.26 C>T as a variant of uncertain significance